The following is an entry in ClinVar:

ClinVar aggregate classification (germline): Benign. Review status: criteria provided, multiple submitters, no conflicts (2 of 4 stars). 4 submissions from 4 submitters: Benign (3). 1 of the submissions does not count toward it. Last evaluated 2024-11-26.

Conditions:
NUP155-related disorder. Also called: NUP155-related condition.

Allele frequency attached by ClinVar (database versions not stated): ESP Exome Variant Server 0.24258; TOPMed 0.25013; 1000 Genomes Project 30x 0.26811; 1000 Genomes Project 0.27716; gnomAD exomes 0.29136; ExAC 0.30791.
gnomAD v4.1: 459,818 of 1,597,574 alleles (29%); highest among the groups gnomAD compares: Middle Eastern, 40%; 68,437 homozygotes.

Submissions (4):

Blueprint Genetics
Classification: Benign. Last evaluated: 2024-11-26. Review status: criteria provided, single submitter. Criteria: ACMG Guidelines, 2015. Collection method: clinical testing. Allele origin: germline.

GeneDx
Classification: Benign. Last evaluated: 2021-05-04. Review status: criteria provided, single submitter. Criteria: GeneDx Variant Classification Process June 2021. Collection method: clinical testing. Allele origin: germline. Affected: yes.

Breakthrough Genomics
Classification: Benign. Review status: criteria provided, single submitter. Criteria: ACMG Guidelines, 2015. Collection method: not provided. Allele origin: germline. Inheritance: Autosomal recessive inheritance. Affected: yes.

PreventionGenetics, part of Exact Sciences
Classification: Benign for NUP155-related condition. Last evaluated: 2019-10-17. Review status: no assertion criteria provided. Collection method: clinical testing. Allele origin: germline. Not counted in ClinVar's aggregate classification.
Comment: This variant is classified as benign based on ACMG/AMP sequence variant interpretation guidelines (Richards et al. 2015 PMID: 25741868, with internal and published modifications).

NM_153485.3(NUP155):c.3888A>G (p.Leu1296=)

Gene: NUP155 (nucleoporin 155; minus strand). Cytogenetic location: 5p13.2.
Variant type: single nucleotide variant.
Coding change: c.3888A>G on transcript NM_153485.3 (MANE Select); coding-DNA position 3888, A replaced by G.
Protein change: p.Leu1296=; no amino-acid change (leucine 1296 retained).
Molecular consequence: synonymous variant.
Genome position (GRCh38, 1-based): chr5:37,294,371, T>C on the plus strand (A>G on the coding strand, the complement: NUP155 is on the minus strand). VCF-style: chr5-37294371-T-C. GRCh37 (hg19) VCF-style: chr5-37294473-T-C.
Other names: c.3696A>G, p.Leu1232= (NM_001278312.2); c.3711A>G, p.Leu1237= (NM_004298.4).
Identifiers: ClinVar variation 1294896 (VCV001294896.6), dbSNP rs1045908, ClinGen allele CA3239312.